The following is an entry in ClinVar:

NM_031407.7(HUWE1):c.6851A>G (p.Gln2284Arg)

Gene: HUWE1 (HECT, UBA and WWE domain containing E3 ubiquitin protein ligase 1; minus strand). Cytogenetic location: Xp11.22.
Variant type: single nucleotide variant.
Coding change: c.6851A>G on transcript NM_031407.7 (MANE Select); coding-DNA position 6851, A replaced by G.
Protein change: p.Gln2284Arg; replaces glutamine 2284 with arginine.
Molecular consequence: missense variant.
Genome position (GRCh38, 1-based): chrX:53,565,096, T>C on the plus strand (A>G on the coding strand, the complement: HUWE1 is on the minus strand). VCF-style: chrX-53565096-T-C. GRCh37 (hg19) VCF-style: chrX-53592057-T-C.
Other names: c.6848A>G, p.Gln2283Arg (NM_001441048.1, NM_001441051.1, NM_001441053.1 and 2 more transcripts); c.6851A>G, p.Gln2284Arg (NM_001441049.1, NM_001441052.1, NM_001441054.1 and 1 more transcripts); c.6872A>G, p.Gln2291Arg (NM_001441050.1, NM_001441055.1); short protein forms Q2283R, Q2284R, Q2291R.
Identifiers: ClinVar variation 4801045 (VCV004801045.1).

ClinVar aggregate classification (germline): Uncertain significance (1 of 4 stars; one submission).

Submission:

Labcorp Genetics (formerly Invitae), Labcorp
Classification: Uncertain significance. Last evaluated: 2025-10-31. Review status: criteria provided, single submitter. Criteria: Invitae Variant Classification Sherloc (09022015). Collection method: clinical testing. Allele origin: germline.
Comment: This sequence change replaces glutamine, which is neutral and polar, with arginine, which is basic and polar, at codon 2284 of the HUWE1 protein (p.Gln2284Arg). This variant is not present in population databases (gnomAD no frequency). This variant has not been reported in the literature in individuals affected with HUWE1-related conditions. Invitae Evidence Modeling of protein sequence and biophysical properties (such as structural, functional, and spatial information, amino acid conservation, physicochemical variation, residue mobility, and thermodynamic stability) indicates that this missense variant is not expected to disrupt HUWE1 protein function with a negative predictive value of 95%. In summary, the available evidence is currently insufficient to determine the role of this variant in disease. Therefore, it has been classified as a Variant of Uncertain Significance.